The following is an entry in ClinVar:

ClinVar aggregate classification (germline): Uncertain significance (1 of 4 stars; one submission).

Allele frequency attached by ClinVar (database versions not stated): gnomAD exomes below 0.00001.
gnomAD v4.1: 6 of 1,614,206 alleles (0.00037%); highest among the groups gnomAD compares: South Asian, 0.0066%; no homozygotes.

Submission:

Labcorp Genetics (formerly Invitae), Labcorp
Classification: Uncertain significance. Last evaluated: 2022-08-01. Review status: criteria provided, single submitter. Criteria: Invitae Variant Classification Sherloc (09022015). Collection method: clinical testing. Allele origin: germline.
Comment: In summary, the available evidence is currently insufficient to determine the role of this variant in disease. Therefore, it has been classified as a Variant of Uncertain Significance. Algorithms developed to predict the effect of missense changes on protein structure and function (SIFT, PolyPhen-2, Align-GVGD) all suggest that this variant is likely to be disruptive. This variant has not been reported in the literature in individuals affected with NBAS-related conditions. This variant is not present in population databases (gnomAD no frequency). This sequence change replaces phenylalanine, which is neutral and non-polar, with serine, which is neutral and polar, at codon 1855 of the NBAS protein (p.Phe1855Ser).

NM_015909.4(NBAS):c.5564T>C (p.Phe1855Ser)

Gene: NBAS (NBAS subunit of NRZ tethering complex; minus strand). Cytogenetic location: 2p24.3.
Variant type: single nucleotide variant.
Coding change: c.5564T>C on transcript NM_015909.4 (MANE Select); coding-DNA position 5564, T replaced by C.
Protein change: p.Phe1855Ser; replaces phenylalanine 1855 with serine.
Molecular consequence: missense variant. On other transcripts: non-coding transcript variant (1).
Genome position (GRCh38, 1-based): chr2:15,275,644, A>G on the plus strand (T>C on the coding strand, the complement: NBAS is on the minus strand). VCF-style: chr2-15275644-A-G. GRCh37 (hg19) VCF-style: chr2-15415768-A-G.
Other names: short protein forms F1855S.
Identifiers: ClinVar variation 2095508 (VCV002095508.4), dbSNP rs2528115512, ClinGen allele CA345882710.
Genomic context (GRCh38, chr2:15,275,644, plus strand): 5'-TGAAGCCACTCCGGTGAAGAGCCTGGGACTTGTTTAATGAGATGAGGGTCTCCAGTCCAG[A>G]ACAACTTCTGTAACCAGATGGTGTACAGAGAGCTTGGGGAAAGCATCTGTCCATCCTTTT-3'
Protein context (NP_056993.2, residues 1845-1865): SLYTIWLQKL[Phe1855Ser]WTGDPHLIKQ